The following is an entry in ClinVar:

NM_002857.4(PEX19):c.13G>A (p.Glu5Lys)

Gene: PEX19 (peroxisomal biogenesis factor 19; minus strand). Cytogenetic location: 1q23.2.
Variant type: single nucleotide variant.
Coding change: c.13G>A on transcript NM_002857.4 (MANE Select); coding-DNA position 13, G replaced by A.
Protein change: p.Glu5Lys; replaces glutamic acid 5 with lysine.
Molecular consequence: missense variant. On other transcripts: non-coding transcript variant (2).
Genome position (GRCh38, 1-based): chr1:160,285,112, C>T on the plus strand (G>A on the coding strand, the complement: PEX19 is on the minus strand). VCF-style: chr1-160285112-C-T. GRCh37 (hg19) VCF-style: chr1-160254902-C-T.
Other names: c.13G>A, p.Glu5Lys (NM_001193644.1); c.13G>A (NM_002857.3); short protein forms E5K.
Identifiers: ClinVar variation 2161614 (VCV002161614.2), dbSNP rs758487005, ClinGen allele CA1197521.

ClinVar aggregate classification (germline): Uncertain significance. Review status: criteria provided, multiple submitters, no conflicts (2 of 4 stars). 2 submissions from 2 submitters: Uncertain significance (2). Last evaluated 2022-03-26.

Conditions:
Inborn genetic diseases. Identifiers: MedGen C0950123, MeSH D030342.
Peroxisome biogenesis disorder 12A (Zellweger). Also called: Peroxisome biogenesis disorder 12A. Identifiers: Orphanet 912, MedGen C3554002, MONDO:0013951, OMIM 614886.

Allele frequency attached by ClinVar (database versions not stated): gnomAD 0.00001; gnomAD exomes 0.00001; ExAC 0.00002.

Submissions (2):

Labcorp Genetics (formerly Invitae), Labcorp
Classification: Uncertain significance for Peroxisome biogenesis disorder 12A (Zellweger). Last evaluated: 2022-03-26. Review status: criteria provided, single submitter. Criteria: Invitae Variant Classification Sherloc (09022015). Collection method: clinical testing. Allele origin: germline.
Comment: This sequence change replaces glutamic acid, which is acidic and polar, with lysine, which is basic and polar, at codon 5 of the PEX19 protein (p.Glu5Lys). This variant is present in population databases (rs758487005, gnomAD 0.006%). This variant has not been reported in the literature in individuals affected with PEX19-related conditions. Algorithms developed to predict the effect of missense changes on protein structure and function (SIFT, PolyPhen-2, Align-GVGD) all suggest that this variant is likely to be tolerated. In summary, the available evidence is currently insufficient to determine the role of this variant in disease. Therefore, it has been classified as a Variant of Uncertain Significance.

Ambry Genetics
Classification: Uncertain significance for Inborn genetic diseases. Last evaluated: 2021-10-05. Review status: criteria provided, single submitter. Criteria: Ambry Variant Classification Scheme 2023. Collection method: clinical testing. Allele origin: germline.